The following is an entry in ClinVar:

ClinVar aggregate classification (germline): Uncertain significance (1 of 4 stars; one submission).

gnomAD v4.1: 13 of 1,613,988 alleles (0.00081%); highest among the groups gnomAD compares: Admixed American, 0.0017%; no homozygotes.

Submission:

Labcorp Genetics (formerly Invitae), Labcorp
Classification: Uncertain significance. Last evaluated: 2025-11-04. Review status: criteria provided, single submitter. Criteria: Invitae Variant Classification Sherloc (09022015). Collection method: clinical testing. Allele origin: germline.
Comment: This sequence change replaces glutamic acid, which is acidic and polar, with lysine, which is basic and polar, at codon 2369 of the SRCAP protein (p.Glu2369Lys). This variant is present in population databases (rs746259351, gnomAD 0.0009%). This variant has not been reported in the literature in individuals affected with SRCAP-related conditions. ClinVar contains an entry for this variant (Variation ID: 3716091). Invitae Evidence Modeling of protein sequence and biophysical properties (such as structural, functional, and spatial information, amino acid conservation, physicochemical variation, residue mobility, and thermodynamic stability) indicates that this missense variant is not expected to disrupt SRCAP protein function with a negative predictive value of 80%. In summary, the available evidence is currently insufficient to determine the role of this variant in disease. Therefore, it has been classified as a Variant of Uncertain Significance.

NM_006662.3(SRCAP):c.7105G>A (p.Glu2369Lys)

Gene: SRCAP (Snf2 related CREBBP activator protein; plus strand). Cytogenetic location: 16p11.2.
Variant type: single nucleotide variant.
Coding change: c.7105G>A on transcript NM_006662.3 (MANE Select); coding-DNA position 7105, G replaced by A.
Protein change: p.Glu2369Lys; replaces glutamic acid 2369 with lysine.
Molecular consequence: missense variant.
Genome position (GRCh38, 1-based): chr16:30,737,145, G>A. VCF-style: chr16-30737145-G-A. GRCh37 (hg19) VCF-style: chr16-30748466-G-A.
Other names: short protein forms E2369K.
Identifiers: ClinVar variation 3716091 (VCV003716091.2).